The following is an entry in ClinVar:

NM_015192.4(PLCB1):c.245A>T (p.Lys82Met)

Gene: PLCB1 (phospholipase C beta 1; plus strand). Cytogenetic location: 20p12.3.
Variant type: single nucleotide variant.
Coding change: c.245A>T on transcript NM_015192.4 (MANE Select); coding-DNA position 245, A replaced by T.
Protein change: p.Lys82Met; replaces lysine 82 with methionine.
Molecular consequence: missense variant.
Genome position (GRCh38, 1-based): chr20:8,371,449, A>T. VCF-style: chr20-8371449-A-T. GRCh37 (hg19) VCF-style: chr20-8352096-A-T.
Other names: c.245A>T, p.Lys82Met (NM_182734.3); short protein forms K82M.
Identifiers: ClinVar variation 1474735 (VCV001474735.8), dbSNP rs1600350860, ClinGen allele CA408262350.

ClinVar aggregate classification (germline): Uncertain significance (1 of 4 stars; one submission).

Conditions:
Developmental and epileptic encephalopathy, 12 (DEE12). Identifiers: MedGen C3150988, MONDO:0013389, OMIM 613722.

Submission:

Labcorp Genetics (formerly Invitae), Labcorp
Classification: Uncertain significance for Developmental and epileptic encephalopathy, 12. Last evaluated: 2021-04-16. Review status: criteria provided, single submitter. Criteria: Invitae Variant Classification Sherloc (09022015). Collection method: clinical testing. Allele origin: germline.
Comment: This sequence change replaces lysine with methionine at codon 82 of the PLCB1 protein (p.Lys82Met). The lysine residue is moderately conserved and there is a moderate physicochemical difference between lysine and methionine. This variant is not present in population databases (ExAC no frequency). This variant has not been reported in the literature in individuals with PLCB1-related conditions. Algorithms developed to predict the effect of missense changes on protein structure and function are either unavailable or do not agree on the potential impact of this missense change (SIFT: "Deleterious"; PolyPhen-2: "Benign"; Align-GVGD: "Class C0"). Algorithms developed to predict the effect of sequence changes on RNA splicing suggest that this variant may disrupt the consensus splice site, but this prediction has not been confirmed by published transcriptional studies. In summary, the available evidence is currently insufficient to determine the role of this variant in disease. Therefore, it has been classified as a Variant of Uncertain Significance.